The following is an entry in ClinVar:

ClinVar aggregate classification (germline): Uncertain significance (1 of 4 stars; one submission).

Conditions:
Early Myoclonic Encephalopathy. Identifiers: MedGen C0270855.

gnomAD v4.1: 7 of 1,614,038 alleles (0.00043%); highest among the groups gnomAD compares: Non-Finnish European, 0.00051%; no homozygotes.

Submission:

Labcorp Genetics (formerly Invitae), Labcorp
Classification: Uncertain significance for Early Myoclonic Encephalopathy. Last evaluated: 2024-12-18. Review status: criteria provided, single submitter. Criteria: Invitae Variant Classification Sherloc (09022015). Collection method: clinical testing. Allele origin: germline.
Comment: This sequence change replaces aspartic acid, which is acidic and polar, with asparagine, which is neutral and polar, at codon 2014 of the JMJD1C protein (p.Asp2014Asn). This variant is present in population databases (rs777714010, gnomAD 0.004%). This variant has not been reported in the literature in individuals affected with JMJD1C-related conditions. Invitae Evidence Modeling of protein sequence and biophysical properties (such as structural, functional, and spatial information, amino acid conservation, physicochemical variation, residue mobility, and thermodynamic stability) indicates that this missense variant is not expected to disrupt JMJD1C protein function with a negative predictive value of 80%. In summary, the available evidence is currently insufficient to determine the role of this variant in disease. Therefore, it has been classified as a Variant of Uncertain Significance.

NM_032776.3(JMJD1C):c.6040G>A (p.Asp2014Asn)

Gene: JMJD1C (jumonji domain containing 1C; minus strand). Cytogenetic location: 10q21.3.
Variant type: single nucleotide variant.
Coding change: c.6040G>A on transcript NM_032776.3 (MANE Select); coding-DNA position 6040, G replaced by A.
Protein change: p.Asp2014Asn; replaces aspartic acid 2014 with asparagine.
Molecular consequence: missense variant. On other transcripts: non-coding transcript variant (1).
Genome position (GRCh38, 1-based): chr10:63,192,974, C>T on the plus strand (G>A on the coding strand, the complement: JMJD1C is on the minus strand). VCF-style: chr10-63192974-C-T. GRCh37 (hg19) VCF-style: chr10-64952734-C-T.
Other names: c.5494G>A, p.Asp1832Asn (NM_001282948.2, NM_001318154.2); c.5176G>A, p.Asp1726Asn (NM_001318153.2); c.5926G>A, p.Asp1976Asn (NM_001322252.2); c.5383G>A, p.Asp1795Asn (NM_001322254.2, NM_001322258.2); short protein forms D2014N, D1726N, D1976N, D1795N, D1832N.
Identifiers: ClinVar variation 3674568 (VCV003674568.2).